The following is an entry in ClinVar:

ClinVar aggregate classification (germline): Likely pathogenic. Review status: criteria provided, multiple submitters, no conflicts (2 of 4 stars). 3 submissions from 3 submitters: Likely pathogenic (2). 1 of the submissions does not count toward it. Last evaluated 2021-08-10.

Conditions:
Wilson disease (WND). Also called: Wilson's disease. Identifiers: Orphanet 905, MedGen C0019202, MONDO:0010200, OMIM 277900. Disease mechanism: loss of function.

Allele frequency attached by ClinVar (database versions not stated): gnomAD exomes below 0.00001.
gnomAD v4.1: 1 of 1,614,246 alleles (0.000062%); highest among the groups gnomAD compares: South Asian, 0.0011%; no homozygotes.

Submissions (3):

Genome-Nilou Lab
Classification: Likely pathogenic for Wilson disease. Last evaluated: 2021-08-10. Review status: criteria provided, single submitter. Criteria: ACMG Guidelines, 2015. Collection method: clinical testing. Allele origin: germline. Affected: no.

Neuberg Centre For Genomic Medicine, NCGM
Classification: Likely pathogenic for Wilson disease. Review status: criteria provided, single submitter. Criteria: ACMG Guidelines, 2015. Collection method: clinical testing. Allele origin: germline. Inheritance: Autosomal recessive inheritance. Affected: yes.
Comment: The observed missense variant c.3722C>T(p.Ala1241Val) in ATP7B gene has been reported previously in mulitple individual(s) with Wilson disease (Singh N, et al., 2019). This variant is absent in the gnomAD Exomes. This variant has been reported to the ClinVar database as Pathogenic/Likely Pathogenic. The amino acid Ala at position 1241 is changed to a Val changing protein sequence and it might alter its composition and physico-chemical properties. Multiple lines of computational evidence (Polyphen - Possibly damaging, SIFT – Damaging and MutationTaster - Disease causing) predict a damaging effect on protein structure and function for this variant. The residue is conserved by GERP++ and PhyloP across 100 vertebrates. However, functional evidence on pathogenicity of this variant is not available. For these reasons, this variant has been classified as Likely Pathogenic.

Counsyl
Classification: Pathogenic for Wilson disease. Last evaluated: 2017-07-18. Review status: no assertion criteria provided. Collection method: clinical testing. Allele origin: unknown. Not counted in ClinVar's aggregate classification.

Literature cited by the submitters: PubMed 24094725 (cited by Counsyl); PubMed 17264425 (cited by Counsyl).

NM_000053.4(ATP7B):c.3722C>T (p.Ala1241Val)

Gene: ATP7B (ATPase copper transporting beta; minus strand). Cytogenetic location: 13q14.3.
Variant type: single nucleotide variant.
Coding change: c.3722C>T on transcript NM_000053.4 (MANE Select); coding-DNA position 3722, C replaced by T.
Protein change: p.Ala1241Val; replaces alanine 1241 with valine.
Molecular consequence: missense variant.
Genome position (GRCh38, 1-based): chr13:51,937,657, G>A on the plus strand (C>T on the coding strand, the complement: ATP7B is on the minus strand). VCF-style: chr13-51937657-G-A. GRCh37 (hg19) VCF-style: chr13-52511793-G-A.
Other names: c.3101C>T, p.Ala1034Val (NM_001005918.3); c.3389C>T, p.Ala1130Val (NM_001243182.2); c.3488C>T, p.Ala1163Val (NM_001330578.2); c.3470C>T, p.Ala1157Val (NM_001330579.2); short protein forms A1241V, A1130V, A1163V, A1034V, A1157V.
Identifiers: ClinVar variation 552915 (VCV000552915.5), dbSNP rs1555283994, ClinGen allele CA388022524.